The following is an entry in ClinVar:

NM_013382.7(POMT2):c.957C>G (p.Phe319Leu)

Gene: POMT2 (protein O-mannosyltransferase 2; minus strand). Cytogenetic location: 14q24.3.
Variant type: single nucleotide variant.
Coding change: c.957C>G on transcript NM_013382.7 (MANE Select); coding-DNA position 957, C replaced by G.
Protein change: p.Phe319Leu; replaces phenylalanine 319 with leucine.
Molecular consequence: missense variant.
Genome position (GRCh38, 1-based): chr14:77,298,738, G>C on the plus strand (C>G on the coding strand, the complement: POMT2 is on the minus strand). VCF-style: chr14-77298738-G-C. GRCh37 (hg19) VCF-style: chr14-77765081-G-C.
Other names: short protein forms F319L.
Identifiers: ClinVar variation 2159798 (VCV002159798.2), dbSNP rs749585390, ClinGen allele CA7286032.

ClinVar aggregate classification (germline): Uncertain significance. Review status: criteria provided, multiple submitters, no conflicts (2 of 4 stars). 2 submissions from 2 submitters: Uncertain significance (2). Last evaluated 2025-01-17.

Conditions:
Inborn genetic diseases. Identifiers: MedGen C0950123, MeSH D030342.
Muscular dystrophy-dystroglycanopathy (congenital with impaired intellectual development), type B, 2. Also called: Muscular dystrophy-dystroglycanopathy (congenital with intellectual disability), type B2; MUSCULAR DYSTROPHY, CONGENITAL, POMT2-RELATED. Identifiers: MedGen C3150416, MONDO:0013160, OMIM 613156.
Autosomal recessive limb-girdle muscular dystrophy type 2N. Also called: MUSCULAR DYSTROPHY-DYSTROGLYCANOPATHY, LIMB-GIRDLE, POMT2-RELATED; Muscular dystrophy-dystroglycanopathy (limb-girdle), type C, 2. Identifiers: Orphanet 206559, MedGen C3150418, MONDO:0013162, OMIM 613158.
Muscular dystrophy-dystroglycanopathy (congenital with brain and eye anomalies), type A2. Also called: MUSCULAR DYSTROPHY-DYSTROGLYCANOPATHY (CONGENITAL WITH BRAIN AND EYE ANOMALIES), TYPE A, 2; WALKER-WARBURG SYNDROME OR MUSCLE-EYE-BRAIN DISEASE, POMT2-RELATED. Identifiers: Orphanet 588, Orphanet 899, MedGen C3150411, MONDO:0013154, OMIM 613150.

Allele frequency attached by ClinVar (database versions not stated): gnomAD exomes 0.00001; TOPMed 0.00001; ExAC 0.00002.
gnomAD v4.1: 4 of 1,613,640 alleles (0.00025%); highest among the groups gnomAD compares: Admixed American, 0.005%; no homozygotes.

Submissions (2):

Ambry Genetics
Classification: Uncertain significance for Inborn genetic diseases. Last evaluated: 2025-01-17. Review status: criteria provided, single submitter. Criteria: Ambry Variant Classification Scheme 2023. Collection method: clinical testing. Allele origin: germline.

Labcorp Genetics (formerly Invitae), Labcorp
Classification: Uncertain significance for Muscular dystrophy-dystroglycanopathy (congenital with impaired intellectual development), type B, 2; Muscular dystrophy-dystroglycanopathy (congenital with brain and eye anomalies), type A2; Autosomal recessive limb-girdle muscular dystrophy type 2N. Last evaluated: 2022-08-01. Review status: criteria provided, single submitter. Criteria: Invitae Variant Classification Sherloc (09022015). Collection method: clinical testing. Allele origin: germline.
Comment: This sequence change replaces phenylalanine, which is neutral and non-polar, with leucine, which is neutral and non-polar, at codon 319 of the POMT2 protein (p.Phe319Leu). This variant is present in population databases (rs749585390, gnomAD 0.01%). This variant has not been reported in the literature in individuals affected with POMT2-related conditions. Algorithms developed to predict the effect of missense changes on protein structure and function are either unavailable or do not agree on the potential impact of this missense change (SIFT: "Deleterious"; PolyPhen-2: "Probably Damaging"; Align-GVGD: "Class C15"). In summary, the available evidence is currently insufficient to determine the role of this variant in disease. Therefore, it has been classified as a Variant of Uncertain Significance.